The following is an entry in ClinVar:

ClinVar aggregate classification (germline): Benign. Review status: criteria provided, multiple submitters, no conflicts (2 of 4 stars). 3 submissions from 3 submitters: Benign (3). Last evaluated 2026-02-02.

Conditions:
Fraser syndrome 1 (FRASRS1). Also called: CRYPTOPHTHALMOS WITH OTHER MALFORMATIONS. Identifiers: Orphanet 2052, MedGen C4551480, MONDO:0054737, OMIM 219000.

Allele frequency attached by ClinVar (database versions not stated): gnomAD exomes 0.00352 and 0.00775; ExAC 0.01225; gnomAD 0.02242 and 0.02371; 1000 Genomes Project 0.02855; 1000 Genomes Project 30x 0.03154; ESP Exome Variant Server 0.02554; TOPMed 0.02653.
gnomAD v4.1: 8,788 of 1,599,524 alleles (0.55%); highest among the groups gnomAD compares: African/African-American, 7.4%; 209 homozygotes.

Submissions (3):

Labcorp Genetics (formerly Invitae), Labcorp
Classification: Benign. Last evaluated: 2026-02-02. Review status: criteria provided, single submitter. Criteria: Invitae Variant Classification Sherloc (09022015). Collection method: clinical testing. Allele origin: germline.

Illumina Laboratory Services, Illumina
Classification: Benign for Fraser syndrome 1. Last evaluated: 2018-01-13. Review status: criteria provided, single submitter. Criteria: ICSL Variant Classification Criteria 13 December 2019. Collection method: clinical testing. Allele origin: germline.
Comment: This variant was observed in the ICSL laboratory as part of a predisposition screen in an ostensibly healthy population. It had not been previously curated by ICSL or reported in the Human Gene Mutation Database (HGMD: prior to June 1st, 2018), and was therefore a candidate for classification through an automated scoring system. Utilizing variant allele frequency, disease prevalence and penetrance estimates, and inheritance mode, an automated score was calculated to assess if this variant is too frequent to cause the disease. Based on the score and internal cut-off values, a variant classified as benign is not then subjected to further curation. The score for this variant resulted in a classification of benign for this disease.

Breakthrough Genomics
Classification: Benign. Review status: criteria provided, single submitter. Criteria: ACMG Guidelines, 2015. Collection method: not provided. Allele origin: germline. Inheritance: Autosomal recessive inheritance. Affected: yes.

NM_025074.7(FRAS1):c.6010+8A>G

Gene: FRAS1 (Fraser extracellular matrix complex subunit 1; plus strand). Cytogenetic location: 4q21.21.
Variant type: single nucleotide variant.
Coding change: c.6010+8A>G on transcript NM_025074.7 (MANE Select); 8 bases into the intron after coding-DNA position 6010, A replaced by G.
Molecular consequence: intron variant.
Genome position (GRCh38, 1-based): chr4:78,446,888, A>G. VCF-style: chr4-78446888-A-G. GRCh37 (hg19) VCF-style: chr4-79368042-A-G.
Identifiers: ClinVar variation 349729 (VCV000349729.13), dbSNP rs7670555, ClinGen allele CA2977677.